The following is an entry in ClinVar:

ClinVar aggregate classification (germline): Likely pathogenic (1 of 4 stars; one submission).

Conditions:
Karyomegalic interstitial nephritis. Identifiers: Orphanet 401996, MedGen C3553774, MONDO:0013898, OMIM 614817.

Submission:

Laboratorio de Genetica e Diagnostico Molecular, Hospital Israelita Albert Einstein
Classification: Likely pathogenic for Karyomegalic interstitial nephritis. Last evaluated: 2023-06-13. Review status: criteria provided, single submitter. Criteria: ACMG Guidelines, 2015. Collection method: clinical testing. Allele origin: germline. Affected: yes.
Comment: ACMG classification criteria: PVS1 very strong, PM2 moderate

NM_014967.5(FAN1):c.2854del (p.Arg952fs)

Genes: FAN1 (FANCD2 and FANCI associated nuclease 1; plus strand), MTMR10 (myotubularin related protein 10; minus strand). Cytogenetic location: 15q13.3.
Variant type: Deletion.
Coding change: c.2854del on transcript NM_014967.5 (MANE Select); coding-DNA position 2854, one base deleted (C; older notation c.2854delC).
Protein change: p.Arg952fs; shifts the reading frame from arginine 952.
Molecular consequence: frameshift variant.
Genome position (GRCh38, 1-based): chr15:30,930,609, C deleted. VCF-style (leftmost placement, unchanged base first): chr15-30930608-TC-T. GRCh37 (hg19) VCF-style: chr15-31222811-TC-T.
Other names: short protein forms R952fs.
Identifiers: ClinVar variation 3902005 (VCV003902005.1).